The following is an entry in ClinVar:

NM_001370.2(DNAH6):c.9260G>A (p.Arg3087His)

Gene: DNAH6 (dynein axonemal heavy chain 6; plus strand). Cytogenetic location: 2p11.2.
Variant type: single nucleotide variant.
Coding change: c.9260G>A on transcript NM_001370.2 (MANE Select); coding-DNA position 9260, G replaced by A.
Protein change: p.Arg3087His; replaces arginine 3087 with histidine.
Molecular consequence: missense variant.
Genome position (GRCh38, 1-based): chr2:84,710,294, G>A. VCF-style: chr2-84710294-G-A. GRCh37 (hg19) VCF-style: chr2-84937418-G-A.
Other names: short protein forms R3087H.
Identifiers: ClinVar variation 2352299 (VCV002352299.26), dbSNP rs748307294, ClinGen allele CA52282575.

ClinVar aggregate classification (germline): Uncertain significance. Review status: criteria provided, multiple submitters, no conflicts (2 of 4 stars). 2 submissions from 2 submitters: Uncertain significance (2). Last evaluated 2023-09-01.

Allele frequency attached by ClinVar (database versions not stated): gnomAD exomes 0.00006; gnomAD 0.00007; TOPMed 0.00011.
gnomAD v4.1: 93 of 1,551,372 alleles (0.006%); highest among the groups gnomAD compares: Middle Eastern, 0.033%; no homozygotes.

Submissions (2):

CeGaT Center for Human Genetics Tuebingen
Classification: Uncertain significance. Last evaluated: 2023-09-01. Review status: criteria provided, single submitter. Criteria: CeGaT Center For Human Genetics Tuebingen Variant Classification Criteria Version 2. Collection method: clinical testing. Allele origin: germline. Affected: yes. Observed: 1 variant allele.
Comment: DNAH6: PM2

Ambry Genetics
Classification: Uncertain significance. Last evaluated: 2021-07-09. Review status: criteria provided, single submitter. Criteria: Ambry Variant Classification Scheme 2023. Collection method: clinical testing. Allele origin: germline.